The following is an entry in ClinVar:

ClinVar aggregate classification (germline): Likely benign (1 of 4 stars; one submission).

Conditions:
Autosomal dominant intellectual disability-craniofacial anomalies-cardiac defects syndrome (ARTHS). Also called: KAT6A syndrome; Arboleda-Tham syndrome; Mental retardation, autosomal dominant 32. Identifiers: Orphanet 457193, MedGen C4225396, MONDO:0014558, OMIM 616268.

Submission:

Victorian Clinical Genetics Services, Murdoch Childrens Research Institute
Classification: Likely benign for Autosomal dominant intellectual disability-craniofacial anomalies-cardiac defects syndrome. Last evaluated: 2020-05-26. Review status: criteria provided, single submitter. Criteria: ACMG Guidelines, 2015. Collection method: clinical testing. Allele origin: germline. Inheritance: Autosomal dominant inheritance.
Comment: Based on the classification scheme VCGS_Germline_v1.1.1, this variant is classified as likely benign. Following criteria are met: 0102 - Loss-of-function is a known mechanism of disease for this gene. (N) 0107 - This gene is known to be associated with autosomal dominant Arboleda-Tham syndrome (OMIM). (N) 0200 - Variant is predicted to result in a missense amino acid change from alanine to glycine (exon 17). (N) 0251 - Variant is heterozygous. (N) 0301 - Variant is absent from gnomAD. (P) 0309 - An alternative amino acid change at the same position has been observed in gnomAD (11 heterozygotes, 0 homozygotes). (N) 0503 - Missense variant consistently predicted to be tolerated and highly conserved in mammals with a minor amino acid change. (B) 0604 - Variant is not located in an established domain, motif, hotspot or informative constraint region. (N) 0705 - No comparable variants have previous evidence for pathogenicity. (N) 0807 - Variant has not previously been reported in a clinical context. (N) 0905 - No segregation evidence has been identified for this variant. (N) 1007 - No published functional evidence has been identified for this variant in the literature. (N) 1208 - Inheritance information for this variant is not currently available. (N) Legend: (P) - Pathogenic, (N) - Neutral, (B) - Benign

NM_006766.5(KAT6A):c.5600C>G (p.Ala1867Gly)

Gene: KAT6A (lysine acetyltransferase 6A; minus strand). Cytogenetic location: 8p11.21.
Variant type: single nucleotide variant.
Coding change: c.5600C>G on transcript NM_006766.5 (MANE Select); coding-DNA position 5600, C replaced by G.
Protein change: p.Ala1867Gly; replaces alanine 1867 with glycine.
Molecular consequence: missense variant.
Genome position (GRCh38, 1-based): chr8:41,932,620, G>C on the plus strand (C>G on the coding strand, the complement: KAT6A is on the minus strand). VCF-style: chr8-41932620-G-C. GRCh37 (hg19) VCF-style: chr8-41790138-G-C.
Other names: short protein forms A1867G.
Identifiers: ClinVar variation 1805826 (VCV001805826.1), dbSNP rs145754397, ClinGen allele CA371061436.